The following is an entry in ClinVar:

NM_139276.3(STAT3):c.1859C>G (p.Thr620Ser)

Gene: STAT3 (signal transducer and activator of transcription 3; minus strand). Cytogenetic location: 17q21.2.
Variant type: single nucleotide variant.
Coding change: c.1859C>G on transcript NM_139276.3 (MANE Select); coding-DNA position 1859, C replaced by G.
Protein change: p.Thr620Ser; replaces threonine 620 with serine.
Molecular consequence: missense variant.
Genome position (GRCh38, 1-based): chr17:42,323,033, G>C on the plus strand (C>G on the coding strand, the complement: STAT3 is on the minus strand). VCF-style: chr17-42323033-G-C. GRCh37 (hg19) VCF-style: chr17-40475051-G-C.
Other names: c.1781C>G, p.Thr594Ser (NM_001384985.1); c.1874C>G, p.Thr625Ser (NM_001384986.1, NM_001384990.1); c.1838C>G, p.Thr613Ser (NM_001384987.1); c.1859C>G, p.Thr620Ser (NM_001384988.1, NM_001384993.1, NM_003150.4 and 9 more transcripts); c.1763C>G, p.Thr588Ser (NM_001384989.1); c.1832C>G, p.Thr611Ser (NM_001384991.1); c.1799C>G, p.Thr600Ser (NM_001384992.1); c.1775C>G, p.Thr592Ser (NM_001384984.1); short protein forms T588S, T592S, T594S, T600S, T611S, T613S, T620S, T625S.
Identifiers: ClinVar variation 1068485 (VCV001068485.9), dbSNP rs1567708034, ClinGen allele CA399582790.

ClinVar aggregate classification (germline): Pathogenic (1 of 4 stars; one submission).

Conditions:
STAT3 gain of function. Identifiers: MedGen C4288261.
Hyper-IgE recurrent infection syndrome 1, autosomal dominant. Also called: JOB SYNDROME; STAT3 Hyper IgE Syndrome; Job's Syndrome; Hyper-IgE recurrent infection syndrome 1; HYPER-IgE SYNDROME 1, AUTOSOMAL DOMINANT, WITH RECURRENT INFECTIONS. Identifiers: Orphanet 2314, MedGen C2936739, MONDO:0007818, OMIM 147060.

Submission:

Labcorp Genetics (formerly Invitae), Labcorp
Classification: Pathogenic for STAT3 gain of function; Hyper-IgE recurrent infection syndrome 1, autosomal dominant. Last evaluated: 2024-06-17. Review status: criteria provided, single submitter. Criteria: Invitae Variant Classification Sherloc (09022015). Collection method: clinical testing. Allele origin: germline.
Comment: This sequence change replaces threonine, which is neutral and polar, with serine, which is neutral and polar, at codon 620 of the STAT3 protein (p.Thr620Ser). This variant is not present in population databases (gnomAD no frequency). This missense change has been observed in individual(s) with hyper IgE syndrome (PMID: 23659370, 27091139). In at least one individual the variant was observed to be de novo. ClinVar contains an entry for this variant (Variation ID: 1068485). Advanced modeling of protein sequence and biophysical properties (such as structural, functional, and spatial information, amino acid conservation, physicochemical variation, residue mobility, and thermodynamic stability) performed at Invitae indicates that this missense variant is not expected to disrupt STAT3 protein function with a negative predictive value of 80%. Experimental studies have shown that this missense change affects STAT3 function (PMID: 32248557). This variant disrupts the p.Thr620 amino acid residue in STAT3. Other variant(s) that disrupt this residue have been determined to be pathogenic (PMID: 18602572). This suggests that this residue is clinically significant, and that variants that disrupt this residue are likely to be disease-causing. For these reasons, this variant has been classified as Pathogenic.

Literature cited by the submitters: PubMed 23659370; PubMed 27091139; PubMed 32248557; PubMed 18602572.